The following is an entry in ClinVar:

ClinVar aggregate classification (germline): Pathogenic/Likely pathogenic. Review status: criteria provided, multiple submitters, no conflicts (2 of 4 stars). 8 submissions from 8 submitters: Pathogenic (2); Likely pathogenic (4). 2 of the submissions do not count toward it. Last evaluated 2025-04-02.

Conditions:
Fanconi anemia complementation group N. Also called: PALB2-Related Fanconi Anemia. Identifiers: Orphanet 84, MedGen C1835817, MONDO:0012565, OMIM 610832. Disease mechanism: loss of function.
Pancreatic cancer, susceptibility to, 3. Identifiers: Orphanet 1333, MedGen C3150547, MONDO:0013236, OMIM 613348.
Familial cancer of breast. Also called: Hereditary breast cancer; hereditary breast carcinoma; BREAST CANCER, FAMILIAL. Identifiers: Orphanet 227535, MedGen C0346153, MONDO:0016419, OMIM 114480. Disease mechanism: loss of function.
Hereditary cancer-predisposing syndrome. Also called: Neoplastic Syndromes, Hereditary; Tumor predisposition; Hereditary neoplastic syndrome; Hereditary Cancer Syndrome. Identifiers: Orphanet 140162, MedGen C0027672, MeSH D009386, MONDO:0015356.

Submissions (8):

Ambry Genetics
Classification: Likely pathogenic for Hereditary cancer-predisposing syndrome. Last evaluated: 2025-04-02. Review status: criteria provided, single submitter. Criteria: Ambry Variant Classification Scheme 2023. Collection method: clinical testing. Allele origin: germline.
Comment: The c.48G>A variant (also known as p.K16K), located in coding exon 1 of the PALB2 gene, results from a G to A substitution at nucleotide position 48. This nucleotide substitution does not change the amino acid at codon 16. However, this change occurs in the last base pair of coding exon 1, which makes it likely to have some effect on normal mRNA splicing. In silico splice site analysis predicts that this alteration will weaken the native splice donor site and may result in the creation or strengthening of a novel splice donor site. In one assay using lymphoblastoid cell lines from a patient with the c.48G>A alteration, the canonical donor splice site was abolished and an alternative splice site was used resulting in an aberrant transcript and a premature termination codon. The aberrant transcript was not present in one control, and reportedly absent in additional controls from individuals with mutations in other genes and from blood donors (Catucci I et al. Genet. Med. 2014 Sep;16:688-94). In addition, this alteration has been reported in patients with familial breast cancer (Catucci I et al. Genet. Med. 2014 Sep;16:688-94; Antoniou AC et al. N. Engl. J. Med. 2014 Aug;371:497-506). Based on the majority of available evidence to date, this variant is likely to be pathogenic.

Myriad Genetics, Inc.
Classification: Likely pathogenic for Familial cancer of breast. Last evaluated: 2023-09-06. Review status: criteria provided, single submitter. Criteria: Myriad Autosomal Dominant, Autosomal Recessive and X-Linked Classification Criteria (2023). Collection method: clinical testing. Allele origin: unknown.
Comment: This variant is considered likely pathogenic. mRNA analysis has demonstrated abnormal mRNA splicing occurs [PMID: 24556926].

Labcorp Genetics (formerly Invitae), Labcorp
Classification: Pathogenic for Familial cancer of breast. Last evaluated: 2022-09-26. Review status: criteria provided, single submitter. Criteria: Invitae Variant Classification Sherloc (09022015). Collection method: clinical testing. Allele origin: germline.
Comment: For these reasons, this variant has been classified as Pathogenic. Variants that disrupt the consensus splice site are a relatively common cause of aberrant splicing (PMID: 17576681, 9536098). Studies have shown that this variant results in activation of cryptic splice sites and introduces a premature termination codon (PMID: 24556926; Invitae). The resulting mRNA is expected to undergo nonsense-mediated decay. ClinVar contains an entry for this variant (Variation ID: 143978). This variant has been observed in individual(s) with breast cancer (PMID: 24556926). This variant is not present in population databases (gnomAD no frequency). This sequence change affects codon 16 of the PALB2 mRNA. It is a 'silent' change, meaning that it does not change the encoded amino acid sequence of the PALB2 protein. RNA analysis indicates that this variant induces altered splicing and may result in an absent or disrupted protein product.

Department of Molecular Diagnostics, Institute of Oncology Ljubljana
Classification: Pathogenic for Familial cancer of breast. Last evaluated: 2020-04-02. Review status: criteria provided, single submitter. Criteria: ACMG Guidelines, 2015. Collection method: clinical testing. Allele origin: germline. Affected: yes.

Color Diagnostics, LLC DBA Color Health
Classification: Likely pathogenic for Hereditary cancer-predisposing syndrome. Last evaluated: 2019-11-27. Review status: criteria provided, single submitter. Criteria: ACMG Guidelines, 2015. Collection method: clinical testing. Allele origin: germline.
Comment: This variant causes a G>A nucleotide substitution at the last position of exon 1 of the PALB2 gene. Splice site prediction tools suggest that this variant may impact RNA splicing. Functional RNA studies have shown that this variant causes loss of the canonical donor site of intron 1, resulting in use of an upstream cryptic donor site and a transcript that lacks 17 nucleotides at the 3′ end of exon 1. At the protein level this is expected to result in a frameshift and loss of protein function (p.Cys11fs). This variant has been reported in an individual affected with hereditary breast cancer in the literature (PMID 24556926, 25099575). This variant has not been identified in the general population by the Genome Aggregation Database (gnomAD). Loss of PALB2 function is a known mechanism of disease. Based on the available evidence, this variant is classified as Likely Pathogenic.

Juno Genomics, Hangzhou Juno Genomics, Inc
Classification: Likely pathogenic for Familial cancer of breast; Pancreatic cancer, susceptibility to, 3; Fanconi anemia complementation group N. Review status: criteria provided, single submitter. Criteria: ACMG Guidelines, 2015. Collection method: clinical testing. Allele origin: germline.
Comment: Well-established in vitro or in vivo functional studies supportive of a damaging effect on the gene or gene product.;The prevalence of the variant in affected individuals is significantly increased compared to the prevalence in controls.;Absent from controls (or at extremely low frequency if recessive) in Genome Aggregation Database.

Leiden Open Variation Database
Classification: Pathogenic for Familial cancer of breast. Last evaluated: 2019-05-13. Review status: no assertion criteria provided. Collection method: curation. Allele origin: germline. Affected: yes. Not counted in ClinVar's aggregate classification.
Comment: Curators: Marc Tischkowitz, Arleen D. Auerbach. Submitter to LOVD: Marc Tischkowitz.

SNPedia
Classification: Pathogenic. Review status: no assertion criteria provided. Collection method: not provided. Allele origin: germline. Not counted in ClinVar's aggregate classification.
ClinVar note: Converted during submission from pathogenic to Pathogenic.

Literature cited by the submitters: PubMed 24556926 (cited by 4 submitters); PubMed 25099575 (cited by Ambry Genetics and Leiden Open Variation Database); PubMed 17576681 (cited by Labcorp Genetics (formerly Invitae), Labcorp); PubMed 9536098 (cited by Labcorp Genetics (formerly Invitae), Labcorp).

NM_024675.4(PALB2):c.48G>A (p.Lys16=)

Gene: PALB2 (partner and localizer of BRCA2; minus strand). Cytogenetic location: 16p12.2.
Variant type: single nucleotide variant.
Coding change: c.48G>A on transcript NM_024675.4 (MANE Select); coding-DNA position 48, G replaced by A.
Protein change: p.Lys16=; no amino-acid change (lysine 16 retained).
Molecular consequence: synonymous variant.
Genome position (GRCh38, 1-based): chr16:23,641,110, C>T on the plus strand (G>A on the coding strand, the complement: PALB2 is on the minus strand). VCF-style: chr16-23641110-C-T. GRCh37 (hg19) VCF-style: chr16-23652431-C-T.
Identifiers: ClinVar variation 143978 (VCV000143978.26), dbSNP rs587776405, ClinGen allele CA294568.
Genomic context (GRCh38, chr16:23,641,110, plus strand): 5'-CTAAAACCCTGGGAAAGCGGGGTCAGAGTCCTGCGTCCGCCCTTCCCGCACCCCCGGCAC[C>T]TTTTCCTTCTCCTCACAGCTGAGGGGCTTCCCGGGAGGCTCGTCCATCGGGCAGGCGACA-3'
Protein context (NP_078951.2, residues 6-26): GKPLSCEEKE[Lys16=]LKEKLAFLKR